The following is an entry in ClinVar:

NM_019066.5(MAGEL2):c.766G>C (p.Gly256Arg)

Gene: MAGEL2 (MAGE family member L2; minus strand). Cytogenetic location: 15q11.2.
Variant type: single nucleotide variant.
Coding change: c.766G>C on transcript NM_019066.5 (MANE Select); coding-DNA position 766, G replaced by C.
Protein change: p.Gly256Arg; replaces glycine 256 with arginine.
Molecular consequence: missense variant.
Genome position (GRCh38, 1-based): chr15:23,646,977, C>G on the plus strand (G>C on the coding strand, the complement: MAGEL2 is on the minus strand). VCF-style: chr15-23646977-C-G. GRCh37 (hg19) VCF-style: chr15-23892124-C-G.
Other names: short protein forms G256R.
Identifiers: ClinVar variation 2629446 (VCV002629446.4), dbSNP rs1890423208, ClinGen allele CA391335972.

ClinVar aggregate classification (germline): Uncertain significance. Review status: criteria provided, multiple submitters, no conflicts (2 of 4 stars). 2 submissions from 2 submitters: Uncertain significance (2). Last evaluated 2025-03-05.

Conditions:
MAGEL2-related disorder. Also called: MAGEL2-related condition.

Allele frequency attached by ClinVar (database versions not stated): gnomAD 0.00001.

Submissions (2):

Labcorp Genetics (formerly Invitae), Labcorp
Classification: Uncertain significance. Last evaluated: 2025-03-05. Review status: criteria provided, single submitter. Criteria: Invitae Variant Classification Sherloc (09022015). Collection method: clinical testing. Allele origin: germline.
Comment: This sequence change replaces glycine, which is neutral and non-polar, with arginine, which is basic and polar, at codon 256 of the MAGEL2 protein (p.Gly256Arg). This variant is not present in population databases (gnomAD no frequency). This variant has not been reported in the literature in individuals affected with MAGEL2-related conditions. ClinVar contains an entry for this variant (Variation ID: 2629446). Experimental studies and prediction algorithms are not available or were not evaluated, and the functional significance of this variant is currently unknown. In summary, the available evidence is currently insufficient to determine the role of this variant in disease. Therefore, it has been classified as a Variant of Uncertain Significance.

PreventionGenetics, part of Exact Sciences
Classification: Uncertain significance for MAGEL2-related condition. Last evaluated: 2023-06-02. Review status: criteria provided, single submitter. Criteria: ACMG Guidelines, 2015. Collection method: clinical testing. Allele origin: germline.
Comment: The MAGEL2 c.766G>C variant is predicted to result in the amino acid substitution p.Gly256Arg. To our knowledge, this variant has not been reported in the literature or in a large population database, indicating this variant is rare. At this time, the clinical significance of this variant is uncertain due to the absence of conclusive functional and genetic evidence.